The following is an entry in ClinVar:

ClinVar aggregate classification (germline): Conflicting classifications of pathogenicity. Review status: criteria provided, conflicting classifications (1 of 4 stars). 5 submissions from 5 submitters: Uncertain significance (4); Likely benign (1). Last evaluated 2026-08-11.

Conditions:
Inborn genetic diseases. Identifiers: MedGen C0950123, MeSH D030342.
PRDM16-related disorder. Also called: PRDM16-related condition.
Left ventricular noncompaction 8 (LVNC8). Identifiers: Orphanet 154, Orphanet 54260, MedGen C3809288, MONDO:0014152, OMIM 615373.

Allele frequency attached by ClinVar (database versions not stated): gnomAD exomes 0.00001; ExAC 0.00002; TOPMed 0.00002; gnomAD 0.00003 and 0.00004.
gnomAD v4.1: 23 of 1,613,624 alleles (0.0014%); highest among the groups gnomAD compares: Non-Finnish European, 0.0019%; no homozygotes.

Submissions (5):

GeneDx
Classification: Uncertain significance. Last evaluated: 2026-08-11. Review status: criteria provided, single submitter. Criteria: GeneDx Variant Classification Process June 2021. Collection method: clinical testing. Allele origin: germline.
Comment: Not observed at significant frequency in large population cohorts (gnomAD); In silico analysis supports that this missense variant has a deleterious effect on protein structure/function; Has not been previously published as pathogenic or benign to our knowledge

Labcorp Genetics (formerly Invitae), Labcorp
Classification: Uncertain significance for Left ventricular noncompaction 8. Last evaluated: 2025-06-27. Review status: criteria provided, single submitter. Criteria: Invitae Variant Classification Sherloc (09022015). Collection method: clinical testing. Allele origin: germline.
Comment: This sequence change replaces glycine, which is neutral and non-polar, with arginine, which is basic and polar, at codon 164 of the PRDM16 protein (p.Gly164Arg). This variant is present in population databases (rs770235387, gnomAD 0.004%). This variant has not been reported in the literature in individuals affected with PRDM16-related conditions. ClinVar contains an entry for this variant (Variation ID: 855214). An algorithm developed to predict the effect of missense changes on protein structure and function (PolyPhen-2) suggests that this variant is likely to be disruptive. In summary, the available evidence is currently insufficient to determine the role of this variant in disease. Therefore, it has been classified as a Variant of Uncertain Significance.

Blueprint Genetics
Classification: Likely benign. Last evaluated: 2024-03-11. Review status: criteria provided, single submitter. Criteria: ACMG Guidelines, 2015. Collection method: clinical testing. Allele origin: germline.

Ambry Genetics
Classification: Uncertain significance for Inborn genetic diseases. Last evaluated: 2023-04-13. Review status: criteria provided, single submitter. Criteria: Ambry Variant Classification Scheme 2023. Collection method: clinical testing. Allele origin: germline.

PreventionGenetics, part of Exact Sciences
Classification: Uncertain significance for PRDM16-related condition. Last evaluated: 2022-08-30. Review status: criteria provided, single submitter. Criteria: ACMG Guidelines, 2015. Collection method: clinical testing. Allele origin: germline.
Comment: The PRDM16 c.490G>A variant is predicted to result in the amino acid substitution p.Gly164Arg. To our knowledge, this variant has not been reported in the literature. This variant is reported in 0.0039% of alleles in individuals of European (Non-Finnish) descent in gnomAD. At this time, the clinical significance of this variant is uncertain due to the absence of conclusive functional and genetic evidence.

NM_022114.4(PRDM16):c.490G>A (p.Gly164Arg)

Gene: PRDM16 (PR/SET domain 16; plus strand). Cytogenetic location: 1p36.32.
Variant type: single nucleotide variant.
Coding change: c.490G>A on transcript NM_022114.4 (MANE Select); coding-DNA position 490, G replaced by A.
Protein change: p.Gly164Arg; replaces glycine 164 with arginine.
Molecular consequence: missense variant.
Genome position (GRCh38, 1-based): chr1:3,385,203, G>A. VCF-style: chr1-3385203-G-A. GRCh37 (hg19) VCF-style: chr1-3301767-G-A.
Other names: c.490G>A, p.Gly164Arg (NM_199454.3); short protein forms G164R.
Identifiers: ClinVar variation 855214 (VCV000855214.16), dbSNP rs770235387, ClinGen allele CA543837.
Genomic context (GRCh38, chr1:3,385,203, plus strand): 5'-TCCCAGCAGATCTCCGAAGACCTGGGCAGTGAGAAGTTCTGCGTGGATGCAAATCAGGCG[G>A]GGGCTGGCAGCTGGCTCAAGTACATCCGTGTGGCGTGCTCCTGCGATGACCAGAACCTCA-3'
Protein context (NP_071397.3, residues 154-174): EKFCVDANQA[Gly164Arg]AGSWLKYIRV